The following is an entry in ClinVar:

ClinVar aggregate classification (germline): Likely pathogenic. Review status: criteria provided, multiple submitters, no conflicts (2 of 4 stars). 3 submissions from 3 submitters: Likely pathogenic (3). Last evaluated 2026-02-16.

Conditions:
PNPLA1-related disorder. Also called: PNPLA1-related condition.
Lamellar ichthyosis. Identifiers: Orphanet 313, MedGen C5848247, MONDO:0017778.

Submissions (3):

PreventionGenetics, part of Exact Sciences
Classification: Likely pathogenic for PNPLA1-related condition. Last evaluated: 2026-02-16. Review status: criteria provided, single submitter. Criteria: ACMG Guidelines, 2015. Collection method: clinical testing. Allele origin: germline.
Comment: The PNPLA1 c.38delC variant is predicted to result in a frameshift and premature protein termination (p.Pro13Leufs*45). To our knowledge, this variant has not been reported in the literature or in a large population database (gnomAD), indicating this variant is rare. Frameshift variants in PNPLA1 are expected to be pathogenic. This variant is interpreted as likely pathogenic.

Women's Health and Genetics/Laboratory Corporation of America, LabCorp
Classification: Likely pathogenic for Lamellar ichthyosis. Last evaluated: 2022-12-06. Review status: criteria provided, single submitter. Criteria: LabCorp Variant Classification Summary - May 2015. Collection method: clinical testing. Allele origin: germline.
Comment: Variant summary: PNPLA1 c.38delC (p.Pro13LeufsX45) results in a premature termination codon, predicted to cause a truncation of the encoded protein or absence of the protein due to nonsense mediated decay. A potential in-frame start codon is located at Met96 in Exon 2, which is the start codon in alternative transcripts. Truncations and missense variants downstream of our variant, but upstream from this position (i.e. Met96) have been reported in individuals affected with Ichthyosis (HGMD). The variant was absent in 154790 control chromosomes (gnomAD). To our knowledge, no occurrence of c.38delC in individuals affected with Lamellar Ichthyosis and no experimental evidence demonstrating its impact on protein function have been reported. One clinical diagnostic laboratory has submitted clinical-significance assessments for this variant to ClinVar after 2014, and classified the variant as likely pathogenic. Based on the evidence outlined above, the variant was classified as likely pathogenic.

GeneDx
Classification: Likely pathogenic. Last evaluated: 2017-09-29. Review status: criteria provided, single submitter. Criteria: GeneDx Variant Classification (06012015). Collection method: clinical testing. Allele origin: germline. Affected: yes.
Comment: The c.38delC variant in the PNPLA1 gene has not been reported previously as a pathogenic variant, nor as a benign variant, to our knowledge. This variant also has not been observed in large population cohorts (Lek et al., 2016). The c.38delC variant causes a frameshift starting with codon Proline 13, changes this amino acid to a Leucine residue, and creates a premature Stop codon at position 45 of the new reading frame, denoted p.Pro13LeufsX45. As this variant is predicted to cause loss of normal protein function either through protein truncation or nonsense-mediated mRNA decay, we interpret c.38delC as a likely pathogenic variant.

NM_001374623.1(PNPLA1):c.38del (p.Pro13fs)

Gene: PNPLA1 (patatin like domain 1, omega-hydroxyceramide transacylase; plus strand). Cytogenetic location: 6p21.31.
Variant type: Deletion.
Coding change: c.38del on transcript NM_001374623.1 (MANE Select); coding-DNA position 38, one base deleted (C; older notation c.38delC).
Protein change: p.Pro13fs; shifts the reading frame from proline 13.
Molecular consequence: frameshift variant. On other transcripts: intron variant (2).
Genome position (GRCh38, 1-based): chr6:36,270,497, C deleted; the last of 4 consecutive C bases (chr6:36,270,494-36,270,497); deleting any one gives the same sequence. VCF-style (leftmost placement, unchanged base first): chr6-36270493-AC-A. GRCh37 (hg19) VCF-style: chr6-36238270-AC-A.
Other names: c.38delC (NM_001145717.1); c.38del, p.Pro13fs (NM_001145717.1); c.-80-20823del (NM_001145716.2, NM_173676.2); short protein forms P13fs.
Identifiers: ClinVar variation 452330 (VCV000452330.4), dbSNP rs938583000, ClinGen allele CA137362715.